The following is an entry in ClinVar:

NM_032608.7(MYO18B):c.2528G>A (p.Arg843Gln)

Gene: MYO18B (myosin XVIIIB; plus strand). Cytogenetic location: 22q12.1.
Variant type: single nucleotide variant.
Coding change: c.2528G>A on transcript NM_032608.7 (MANE Select); coding-DNA position 2528, G replaced by A.
Protein change: p.Arg843Gln; replaces arginine 843 with glutamine.
Molecular consequence: missense variant.
Genome position (GRCh38, 1-based): chr22:25,823,511, G>A. VCF-style: chr22-25823511-G-A. GRCh37 (hg19) VCF-style: chr22-26219478-G-A.
Other names: c.2528G>A, p.Arg843Gln (NM_001318245.2); short protein forms R843Q.
Identifiers: ClinVar variation 1461144 (VCV001461144.3), dbSNP rs745349928, ClinGen allele CA10160216.
Genomic context (GRCh38, chr22:25,823,511, plus strand): 5'-TTCACCCCATGCCCAAGGCCTCACTGCCACGCCTCTGTTTTGTCCCCTTTGCAGTGGGTC[G>A]GAAGCAGTTCATGAGGTTTGAGTGGGCAAACTACGCAGCTGAGGCCCTGGGCTGCGAGTA-3'
Protein context (NP_115997.5, residues 833-853): LGAAGACKVG[Arg843Gln]KQFMRFEWAN

ClinVar aggregate classification (germline): Uncertain significance (1 of 4 stars; one submission).

Allele frequency attached by ClinVar (database versions not stated): gnomAD 0.00001; ExAC 0.00002; gnomAD exomes 0.00002.
gnomAD v4.1: 36 of 1,613,732 alleles (0.0022%); highest among the groups gnomAD compares: Middle Eastern, 0.016%; no homozygotes.

Submission:

Labcorp Genetics (formerly Invitae), Labcorp
Classification: Uncertain significance. Last evaluated: 2022-01-07. Review status: criteria provided, single submitter. Criteria: Invitae Variant Classification Sherloc (09022015). Collection method: clinical testing. Allele origin: germline.
Comment: This sequence change replaces arginine, which is basic and polar, with glutamine, which is neutral and polar, at codon 843 of the MYO18B protein (p.Arg843Gln). This variant is present in population databases (rs745349928, gnomAD 0.02%). This variant has not been reported in the literature in individuals affected with MYO18B-related conditions. Algorithms developed to predict the effect of missense changes on protein structure and function are either unavailable or do not agree on the potential impact of this missense change (SIFT: "Not Available"; PolyPhen-2: "Probably Damaging"; Align-GVGD: "Not Available"). In summary, the available evidence is currently insufficient to determine the role of this variant in disease. Therefore, it has been classified as a Variant of Uncertain Significance.